The following is an entry in ClinVar:

NM_002788.4(PSMA3):c.424A>C (p.Ser142Arg)

Gene: PSMA3 (proteasome 20S subunit alpha 3; plus strand). Cytogenetic location: 14q23.1.
Variant type: single nucleotide variant.
Coding change: c.424A>C on transcript NM_002788.4 (MANE Select); coding-DNA position 424, A replaced by C.
Protein change: p.Ser142Arg; replaces serine 142 with arginine.
Molecular consequence: missense variant. On other transcripts: non-coding transcript variant (1), splice acceptor variant (1).
Genome position (GRCh38, 1-based): chr14:58,260,967, A>C. VCF-style: chr14-58260967-A-C. GRCh37 (hg19) VCF-style: chr14-58727685-A-C.
Other names: c.405-2A>C (NM_152132.3); short protein forms S142R.
Identifiers: ClinVar variation 2755379 (VCV002755379.3), dbSNP rs2502955282, ClinGen allele CA389849802.
Genomic context (GRCh38, chr14:58,260,967, plus strand): 5'-GTTATTGCCATGGTTTAAGCTGTTTGTATACTTTCATGCAGTTTCATGTTAGGGTCTTAC[A>C]GTGTGAATGACGGTGCGCAACTCTACATGATTGACCCATCAGGTGTTTCATACGTGAGTA-3'
Protein context (NP_002779.1, residues 132-152): FGCSFMLGSY[Ser142Arg]VNDGAQLYMI

ClinVar aggregate classification (germline): Uncertain significance (1 of 4 stars; one submission).

Submission:

Labcorp Genetics (formerly Invitae), Labcorp
Classification: Uncertain significance. Last evaluated: 2023-08-27. Review status: criteria provided, single submitter. Criteria: Invitae Variant Classification Sherloc (09022015). Collection method: clinical testing. Allele origin: germline.
Comment: This sequence change replaces serine, which is neutral and polar, with arginine, which is basic and polar, at codon 142 of the PSMA3 protein (p.Ser142Arg). This variant is not present in population databases (gnomAD no frequency). This variant has not been reported in the literature in individuals affected with PSMA3-related conditions. An algorithm developed to predict the effect of missense changes on protein structure and function (PolyPhen-2) suggests that this variant is likely to be tolerated. Algorithms developed to predict the effect of sequence changes on RNA splicing suggest that this variant may disrupt the consensus splice site. In summary, the available evidence is currently insufficient to determine the role of this variant in disease. Therefore, it has been classified as a Variant of Uncertain Significance.